The following is an entry in ClinVar:

NM_000428.3(LTBP2):c.1609C>A (p.Pro537Thr)

Gene: LTBP2 (latent transforming growth factor beta binding protein 2; minus strand). Cytogenetic location: 14q24.3.
Variant type: single nucleotide variant.
Coding change: c.1609C>A on transcript NM_000428.3 (MANE Select); coding-DNA position 1609, C replaced by A.
Protein change: p.Pro537Thr; replaces proline 537 with threonine.
Molecular consequence: missense variant.
Genome position (GRCh38, 1-based): chr14:74,551,141, G>T on the plus strand (C>A on the coding strand, the complement: LTBP2 is on the minus strand). VCF-style: chr14-74551141-G-T. GRCh37 (hg19) VCF-style: chr14-75017844-G-T.
Other names: short protein forms P537T.
Identifiers: ClinVar variation 487461 (VCV000487461.1), dbSNP rs770862437, ClinGen allele CA7269832.
Genomic context (GRCh38, chr14:74,551,141, plus strand): 5'-TCAGGTAACACCGGCCCAGCAGTCCTCGAGGCCTGGGTGCTGCTGGGGGCAGTGGCCGAG[G>T]GGGCTCTCCAGACCGAGCAGGGATGTTGTTGCTGTCCCAGAGGCTGTGGCCAGGGCTGGC-3'
Protein context (NP_000419.1, residues 527-547): NNIPARSGEP[Pro537Thr]RPLPPAAPRP

ClinVar aggregate classification (germline): Uncertain significance (1 of 4 stars; one submission).

Conditions:
Weill-Marchesani syndrome 3 (WMS3). Also called: Weill-Marchesani syndrome 3, recessive; LTBP2-Related Weill-Marchesani Syndrome. Identifiers: Orphanet 3449, MedGen C3553785, MONDO:0013899, OMIM 614819.

gnomAD v4.1: 4 of 1,613,924 alleles (0.00025%); highest among the groups gnomAD compares: South Asian, 0.0044%; no homozygotes.

Submission:

Center for Genomics, Ann and Robert H. Lurie Children's Hospital of Chicago
Classification: Uncertain significance for Weill-Marchesani syndrome 3. Last evaluated: 2017-08-01. Review status: criteria provided, single submitter. Criteria: ACMG Guidelines, 2015. Collection method: clinical testing. Allele origin: germline.
Comment: LTBP2 NM_000428.2 exon7 p.Pro537Thr (c.1609C>A): This variant has not been reported in the literature and is not present in large control databases. Evolutionary conservation and computational predictive tools for this variant are unclear. In summary, data on this variant is insufficient for disease classification. Therefore, the clinical significance of this variant is uncertain.